The following is an entry in ClinVar:

NM_001164665.2(KIAA1549):c.4379A>T (p.His1460Leu)

Gene: KIAA1549 (KIAA1549; minus strand). Cytogenetic location: 7q34.
Variant type: single nucleotide variant.
Coding change: c.4379A>T on transcript NM_001164665.2 (MANE Select); coding-DNA position 4379, A replaced by T.
Protein change: p.His1460Leu; replaces histidine 1460 with leucine.
Molecular consequence: missense variant.
Genome position (GRCh38, 1-based): chr7:138,871,329, T>A on the plus strand (A>T on the coding strand, the complement: KIAA1549 is on the minus strand). VCF-style: chr7-138871329-T-A. GRCh37 (hg19) VCF-style: chr7-138556075-T-A.
Other names: c.4379A>T, p.His1460Leu (NM_020910.3); short protein forms H1460L.
Identifiers: ClinVar variation 1438143 (VCV001438143.6), dbSNP rs372285192, ClinGen allele CA4505918.

ClinVar aggregate classification (germline): Uncertain significance (1 of 4 stars; one submission).

Allele frequency attached by ClinVar (database versions not stated): gnomAD 0.00001; gnomAD exomes 0.00001; TOPMed 0.00001; ExAC 0.00002; ESP Exome Variant Server 0.00008.
gnomAD v4.1: 10 of 1,578,584 alleles (0.00063%); highest among the groups gnomAD compares: East Asian, 0.02%; no homozygotes.

Submission:

Labcorp Genetics (formerly Invitae), Labcorp
Classification: Uncertain significance. Last evaluated: 2022-09-27. Review status: criteria provided, single submitter. Criteria: Invitae Variant Classification Sherloc (09022015). Collection method: clinical testing. Allele origin: germline.
Comment: This variant has not been reported in the literature in individuals affected with KIAA1549-related conditions. In summary, the available evidence is currently insufficient to determine the role of this variant in disease. Therefore, it has been classified as a Variant of Uncertain Significance. Algorithms developed to predict the effect of missense changes on protein structure and function are either unavailable or do not agree on the potential impact of this missense change (SIFT: "Tolerated"; PolyPhen-2: "Probably Damaging"; Align-GVGD: "Class C0"). ClinVar contains an entry for this variant (Variation ID: 1438143). This variant is present in population databases (rs372285192, gnomAD 0.006%). This sequence change replaces histidine, which is basic and polar, with leucine, which is neutral and non-polar, at codon 1460 of the KIAA1549 protein (p.His1460Leu).